The following is an entry in ClinVar:

NM_020987.5(ANK3):c.8856C>T (p.Ser2952=)

Gene: ANK3 (ankyrin 3; minus strand). Cytogenetic location: 10q21.2.
Variant type: single nucleotide variant.
Coding change: c.8856C>T on transcript NM_020987.5 (MANE Select); coding-DNA position 8856, C replaced by T.
Protein change: p.Ser2952=; no amino-acid change (serine 2952 retained).
Molecular consequence: synonymous variant. On other transcripts: intron variant (4).
Genome position (GRCh38, 1-based): chr10:60,072,025, G>A on the plus strand (C>T on the coding strand, the complement: ANK3 is on the minus strand). VCF-style: chr10-60072025-G-A. GRCh37 (hg19) VCF-style: chr10-61831783-G-A.
Other names: c.4388-4016C>T (NM_001204403.2); c.4409-4016C>T (NM_001204404.2); c.4406-4016C>T (NM_001320874.2); c.1808-4016C>T (NM_001149.4).
Identifiers: ClinVar variation 3035061 (VCV003035061.2), dbSNP rs754612585, ClinGen allele CA5511480.

ClinVar aggregate classification (germline): Likely benign (0 of 4 stars; one submission).

Conditions:
ANK3-related disorder. Also called: ANK3-related condition.

Allele frequency attached by ClinVar (database versions not stated): ExAC 0.00001.
gnomAD v4.1: 14 of 1,614,030 alleles (0.00087%); highest among the groups gnomAD compares: Non-Finnish European, 0.001%; no homozygotes.

Submission:

PreventionGenetics, part of Exact Sciences
Classification: Likely benign for ANK3-related condition. Last evaluated: 2019-08-09. Review status: no assertion criteria provided. Collection method: clinical testing. Allele origin: germline.
Comment: This variant is classified as likely benign based on ACMG/AMP sequence variant interpretation guidelines (Richards et al. 2015 PMID: 25741868, with internal and published modifications).